The following is an entry in ClinVar:

ClinVar aggregate classification (germline): Uncertain significance (1 of 4 stars; one submission).

Conditions:
Charcot-Marie-Tooth disease axonal type 2L. Also called: CHARCOT-MARIE-TOOTH DISEASE, AXONAL, AUTOSOMAL DOMINANT, TYPE 2L; CHARCOT-MARIE-TOOTH NEUROPATHY, AXONAL, TYPE 2L; Charcot-Marie-Tooth Neuropathy Type 2L. Identifiers: Orphanet 99945, MedGen C1837552, MONDO:0012096, OMIM 608673.

Submission:

Labcorp Genetics (formerly Invitae), Labcorp
Classification: Uncertain significance for Charcot-Marie-Tooth disease axonal type 2L. Last evaluated: 2021-09-06. Review status: criteria provided, single submitter. Criteria: Invitae Variant Classification Sherloc (09022015). Collection method: clinical testing. Allele origin: germline.
Comment: This sequence change replaces proline with serine at codon 20 of the HSPB8 protein (p.Pro20Ser). The proline residue is highly conserved and there is a moderate physicochemical difference between proline and serine. Algorithms developed to predict the effect of missense changes on protein structure and function are either unavailable or do not agree on the potential impact of this missense change (SIFT: "Deleterious"; PolyPhen-2: "Benign"; Align-GVGD: "Class C0"). In summary, the available evidence is currently insufficient to determine the role of this variant in disease. Therefore, it has been classified as a Variant of Uncertain Significance. This variant has not been reported in the literature in individuals affected with HSPB8-related conditions. This variant is not present in population databases (ExAC no frequency).

NM_014365.3(HSPB8):c.58C>T (p.Pro20Ser)

Gene: HSPB8 (heat shock protein family B (small) member 8; plus strand). Cytogenetic location: 12q24.23.
Variant type: single nucleotide variant.
Coding change: c.58C>T on transcript NM_014365.3 (MANE Select); coding-DNA position 58, C replaced by T.
Protein change: p.Pro20Ser; replaces proline 20 with serine.
Molecular consequence: missense variant.
Genome position (GRCh38, 1-based): chr12:119,179,370, C>T. VCF-style: chr12-119179370-C-T. GRCh37 (hg19) VCF-style: chr12-119617175-C-T.
Other names: short protein forms P20S.
Identifiers: ClinVar variation 1351461 (VCV001351461.6), dbSNP rs2136079863, ClinGen allele CA386523966.